The following is an entry in ClinVar:

NM_183357.3(ADCY5):c.3749T>C (p.Met1250Thr)

Gene: ADCY5 (adenylate cyclase 5; minus strand). Cytogenetic location: 3q21.1.
Variant type: single nucleotide variant.
Coding change: c.3749T>C on transcript NM_183357.3 (MANE Select); coding-DNA position 3749, T replaced by C.
Protein change: p.Met1250Thr; replaces methionine 1250 with threonine.
Molecular consequence: missense variant.
Genome position (GRCh38, 1-based): chr3:123,284,645, A>G on the plus strand (T>C on the coding strand, the complement: ADCY5 is on the minus strand). VCF-style: chr3-123284645-A-G. GRCh37 (hg19) VCF-style: chr3-123003492-A-G.
Other names: c.2699T>C, p.Met900Thr (NM_001199642.1); c.3824T>C, p.Met1275Thr (NM_001378259.1); short protein forms M900T, M1275T, M1250T.
Identifiers: ClinVar variation 1398651 (VCV001398651.6), dbSNP rs142247122, ClinGen allele CA2576690.
Genomic context (GRCh38, chr3:123,284,645, plus strand): 5'-CTGGCACCATTGGCCAACAGCTGCTAACTGAGCGGGGGCCCTCCATTGAGGAAGTAGGTC[A>G]TCATCTCGCCTTTGCCCTTGACCTTGACCACGCCCCGGCACTCCAGCTGGTACGTGTTGG-3'
Protein context (NP_899200.1, residues 1240-1260): VVKVKGKGEM[Met1250Thr]TYFLNGGPPL

ClinVar aggregate classification (germline): Uncertain significance (1 of 4 stars; one submission).

Allele frequency attached by ClinVar (database versions not stated): gnomAD exomes below 0.00001 and 0.00001; ExAC 0.00002; TOPMed 0.00006; gnomAD 0.00012 and 0.00013; ESP Exome Variant Server 0.00015.

Submission:

Labcorp Genetics (formerly Invitae), Labcorp
Classification: Uncertain significance. Last evaluated: 2022-09-13. Review status: criteria provided, single submitter. Criteria: Invitae Variant Classification Sherloc (09022015). Collection method: clinical testing. Allele origin: germline.
Comment: In summary, the available evidence is currently insufficient to determine the role of this variant in disease. Therefore, it has been classified as a Variant of Uncertain Significance. Advanced modeling of protein sequence and biophysical properties (such as structural, functional, and spatial information, amino acid conservation, physicochemical variation, residue mobility, and thermodynamic stability) performed at Invitae indicates that this missense variant is not expected to disrupt ADCY5 protein function. ClinVar contains an entry for this variant (Variation ID: 1398651). This variant has not been reported in the literature in individuals affected with ADCY5-related conditions. This variant is present in population databases (rs142247122, gnomAD 0.02%). This sequence change replaces methionine, which is neutral and non-polar, with threonine, which is neutral and polar, at codon 1250 of the ADCY5 protein (p.Met1250Thr).